The following is an entry in ClinVar:

ClinVar aggregate classification (germline): Uncertain significance (1 of 4 stars; one submission).

Conditions:
Hereditary insensitivity to pain with anhidrosis (CIPA). Also called: NTRK1 Congenital Insensitivity to Pain with Anhidrosis; FAMILIAL DYSAUTONOMIA, TYPE II; HSAN Type IV; hereditary sensory and autonomic neuropathy type 4; NEUROPATHY, CONGENITAL SENSORY, WITH ANHIDROSIS; INSENSITIVITY TO PAIN, CONGENITAL, WITH ANHIDROSIS. Identifiers: Orphanet 642, MedGen C0020074, MONDO:0009746, OMIM 256800.

Submission:

Labcorp Genetics (formerly Invitae), Labcorp
Classification: Uncertain significance for Hereditary insensitivity to pain with anhidrosis. Last evaluated: 2025-10-02. Review status: criteria provided, single submitter. Criteria: Invitae Variant Classification Sherloc (09022015). Collection method: clinical testing. Allele origin: germline.
Comment: This sequence change replaces glutamic acid, which is acidic and polar, with glycine, which is neutral and non-polar, at codon 66 of the NTRK1 protein (p.Glu66Gly). This variant is not present in population databases (gnomAD no frequency). This variant has not been reported in the literature in individuals affected with NTRK1-related conditions. ClinVar contains an entry for this variant (Variation ID: 963081). Invitae Evidence Modeling of protein sequence and biophysical properties (such as structural, functional, and spatial information, amino acid conservation, physicochemical variation, residue mobility, and thermodynamic stability) indicates that this missense variant is not expected to disrupt NTRK1 protein function with a negative predictive value of 95%. In summary, the available evidence is currently insufficient to determine the role of this variant in disease. Therefore, it has been classified as a Variant of Uncertain Significance.

NM_002529.4(NTRK1):c.197A>G (p.Glu66Gly)

Gene: NTRK1 (neurotrophic receptor tyrosine kinase 1; plus strand). Cytogenetic location: 1q23.1.
Variant type: single nucleotide variant.
Coding change: c.197A>G on transcript NM_002529.4 (MANE Select); coding-DNA position 197, A replaced by G.
Protein change: p.Glu66Gly; replaces glutamic acid 66 with glycine.
Molecular consequence: missense variant. On other transcripts: intron variant (1).
Genome position (GRCh38, 1-based): chr1:156,861,131, A>G. VCF-style: chr1-156861131-A-G. GRCh37 (hg19) VCF-style: chr1-156830923-A-G.
Other names: c.197A>G, p.Glu66Gly (NM_001012331.2); c.123-3223A>G (NM_001007792.1); short protein forms E66G.
Identifiers: ClinVar variation 963081 (VCV000963081.9), dbSNP rs1655628590, ClinGen allele CA342930146.